The following is an entry in ClinVar:

ClinVar aggregate classification (germline): Pathogenic (1 of 4 stars; one submission).

Conditions:
Autosomal recessive nonsyndromic hearing loss 3. Also called: NEUROSENSORY NONSYNDROMIC RECESSIVE DEAFNESS 3. Identifiers: Orphanet 90636, MedGen C1838263, MONDO:0010860, OMIM 600316.

Submission:

Institute of Rare Diseases, West China Hospital, Sichuan University
Classification: Pathogenic for Autosomal recessive nonsyndromic hearing loss 3. Last evaluated: 2025-01-09. Review status: criteria provided, single submitter. Criteria: ClinGen HL ACMG Specifications v1. Collection method: research. Allele origin: germline. Affected: yes.
Comment: PVS1;PM3;PM2_Supporting

NM_016239.4(MYO15A):c.6823_6832del (p.Ala2275fs)

Gene: MYO15A (myosin XVA; plus strand). Cytogenetic location: 17p11.2.
Variant type: Deletion.
Coding change: c.6823_6832del on transcript NM_016239.4 (MANE Select); coding-DNA positions 6823 to 6832, 10 bases deleted (GCAGAGCTGG; older notation c.6823_6832delGCAGAGCTGG).
Protein change: p.Ala2275fs; shifts the reading frame from alanine 2275.
Molecular consequence: frameshift variant.
Genome position (GRCh38, 1-based): chr17:18,148,819-18,148,828, GCAGAGCTGG deleted; deleting any 10 consecutive bases within chr17:18,148,816-18,148,828 gives the same sequence; the c. name uses the placement nearest the transcript's 3' end. VCF-style (leftmost placement, unchanged base first): chr17-18148815-GTGGGCAGAGC-G. GRCh37 (hg19) VCF-style: chr17-18052129-GTGGGCAGAGC-G.
Other names: short protein forms A2275fs.
Identifiers: ClinVar variation 3601382 (VCV003601382.1).